The following is an entry in ClinVar:

ClinVar aggregate classification (germline): Uncertain significance (1 of 4 stars; one submission).

Conditions:
Severe combined immunodeficiency due to DCLRE1C deficiency (RS-SCID). Also called: SCID, AUTOSOMAL RECESSIVE, T CELL-NEGATIVE, B CELL-NEGATIVE, NK CELL-POSITIVE, WITH SENSITIVITY TO IONIZING RADIATION. Identifiers: Orphanet 275, MedGen C1865371, MONDO:0011225, OMIM 602450.

Allele frequency attached by ClinVar (database versions not stated): TOPMed 0.00001; ExAC 0.00001; gnomAD 0.00001.
gnomAD v4.1: 1 of 1,614,040 alleles (0.000062%); highest among the groups gnomAD compares: African/African-American, 0.0013%; no homozygotes.

Submission:

Labcorp Genetics (formerly Invitae), Labcorp
Classification: Uncertain significance for Athabaskan severe combined immunodeficiency. Last evaluated: 2021-08-20. Review status: criteria provided, single submitter. Criteria: Invitae Variant Classification Sherloc (09022015). Collection method: clinical testing. Allele origin: germline.
Comment: This sequence change replaces glutamic acid with glycine at codon 423 of the DCLRE1C protein (p.Glu423Gly). The glutamic acid residue is weakly conserved and there is a moderate physicochemical difference between glutamic acid and glycine. This variant is present in population databases (rs746284396, ExAC 0.01%). This variant has not been reported in the literature in individuals affected with DCLRE1C-related conditions. Algorithms developed to predict the effect of missense changes on protein structure and function (SIFT, PolyPhen-2, Align-GVGD) all suggest that this variant is likely to be tolerated. In summary, the available evidence is currently insufficient to determine the role of this variant in disease. Therefore, it has been classified as a Variant of Uncertain Significance.

NM_001033855.3(DCLRE1C):c.1268A>G (p.Glu423Gly)

Gene: DCLRE1C (DNA cross-link repair 1C; minus strand). Cytogenetic location: 10p13.
Variant type: single nucleotide variant.
Coding change: c.1268A>G on transcript NM_001033855.3 (MANE Select); coding-DNA position 1268, A replaced by G.
Protein change: p.Glu423Gly; replaces glutamic acid 423 with glycine.
Molecular consequence: missense variant. On other transcripts: non-coding transcript variant (4).
Genome position (GRCh38, 1-based): chr10:14,909,219, T>C on the plus strand (A>G on the coding strand, the complement: DCLRE1C is on the minus strand). VCF-style: chr10-14909219-T-C. GRCh37 (hg19) VCF-style: chr10-14951218-T-C.
Other names: c.908A>G, p.Glu303Gly (NM_001033857.3, NM_001033858.3, NM_001289077.2 and 2 more transcripts); c.923A>G, p.Glu308Gly (NM_001289076.2, NM_001289078.2, NM_001350966.2 and 1 more transcripts); c.1268A>G, p.Glu423Gly (NM_001350965.2); short protein forms E308G, E423G, E303G.
Identifiers: ClinVar variation 2194590 (VCV002194590.1), dbSNP rs746284396, ClinGen allele CA5416510.